The following is an entry in ClinVar:

NM_198451.4(FOXR2):c.399T>C (p.Ser133=)

Gene: FOXR2 (forkhead box R2; plus strand). Cytogenetic location: Xp11.21.
Variant type: single nucleotide variant.
Coding change: c.399T>C on transcript NM_198451.4 (MANE Select); coding-DNA position 399, T replaced by C.
Protein change: p.Ser133=; no amino-acid change (serine 133 retained).
Molecular consequence: synonymous variant.
Genome position (GRCh38, 1-based): chrX:55,624,110, T>C. VCF-style: chrX-55624110-T-C. GRCh37 (hg19) VCF-style: chrX-55650543-T-C.
Identifiers: ClinVar variation 2660700 (VCV002660700.24), dbSNP rs2032318712, ClinGen allele CA516700025.

ClinVar aggregate classification (germline): Likely benign (1 of 4 stars; one submission).

Allele frequency attached by ClinVar (database versions not stated): gnomAD exomes below 0.00001; TOPMed 0.00001.

Submission:

CeGaT Center for Human Genetics Tuebingen
Classification: Likely benign. Last evaluated: 2022-06-01. Review status: criteria provided, single submitter. Criteria: CeGaT Center For Human Genetics Tuebingen Variant Classification Criteria Version 2. Collection method: clinical testing. Allele origin: germline. Affected: yes. Observed: 1 variant allele.
Comment: FOXR2: PM2:Supporting, BP4, BP7